The following is an entry in ClinVar:

NM_012469.4(PRPF6):c.2095G>A (p.Glu699Lys)

Gene: PRPF6 (pre-mRNA processing factor 6; plus strand). Cytogenetic location: 20q13.33.
Variant type: single nucleotide variant.
Coding change: c.2095G>A on transcript NM_012469.4 (MANE Select); coding-DNA position 2095, G replaced by A.
Protein change: p.Glu699Lys; replaces glutamic acid 699 with lysine.
Molecular consequence: missense variant.
Genome position (GRCh38, 1-based): chr20:64,027,048, G>A. VCF-style: chr20-64027048-G-A. GRCh37 (hg19) VCF-style: chr20-62658401-G-A.
Other names: short protein forms E699K.
Identifiers: ClinVar variation 1041590 (VCV001041590.6), dbSNP rs2059294340, ClinGen allele CA409739736.

ClinVar aggregate classification (germline): Uncertain significance (1 of 4 stars; one submission).

Allele frequency attached by ClinVar (database versions not stated): gnomAD exomes below 0.00001.
gnomAD v4.1: 2 of 1,614,082 alleles (0.00012%); highest among the groups gnomAD compares: Middle Eastern, 0.017%; no homozygotes.

Submission:

Labcorp Genetics (formerly Invitae), Labcorp
Classification: Uncertain significance. Last evaluated: 2025-11-17. Review status: criteria provided, single submitter. Criteria: Invitae Variant Classification Sherloc (09022015). Collection method: clinical testing. Allele origin: germline.
Comment: This sequence change replaces glutamic acid, which is acidic and polar, with lysine, which is basic and polar, at codon 699 of the PRPF6 protein (p.Glu699Lys). This variant is not present in population databases (gnomAD no frequency). This variant has not been reported in the literature in individuals affected with PRPF6-related conditions. ClinVar contains an entry for this variant (Variation ID: 1041590). Invitae Evidence Modeling of protein sequence and biophysical properties (such as structural, functional, and spatial information, amino acid conservation, physicochemical variation, residue mobility, and thermodynamic stability) indicates that this missense variant is not expected to disrupt PRPF6 protein function with a negative predictive value of 80%. In summary, the available evidence is currently insufficient to determine the role of this variant in disease. Therefore, it has been classified as a Variant of Uncertain Significance.